The following is an entry in ClinVar:

NM_002294.3(LAMP2):c.150C>T (p.Phe50=)

Gene: LAMP2 (lysosome associated membrane protein 2; minus strand). Cytogenetic location: Xq24.
Variant type: single nucleotide variant.
Coding change: c.150C>T on transcript NM_002294.3 (MANE Select); coding-DNA position 150, C replaced by T.
Protein change: p.Phe50=; no amino-acid change (phenylalanine 50 retained).
Molecular consequence: synonymous variant.
Genome position (GRCh38, 1-based): chrX:120,456,684, G>A on the plus strand (C>T on the coding strand, the complement: LAMP2 is on the minus strand). VCF-style: chrX-120456684-G-A. GRCh37 (hg19) VCF-style: chrX-119590539-G-A.
Other names: c.150C>T, p.Phe50= (NM_001122606.1, NM_013995.2).
Identifiers: ClinVar variation 383655 (VCV000383655.13), dbSNP rs1057521701, ClinGen allele CA16608727.
Genomic context (GRCh38, chrX:120,456,684, plus strand): 5'-CAAAGAAAAATTAAAATATATACTTACATAAGTTTTATTTGTAGTTTCATAGCGTACTGT[G>A]AAATTCATCTGCCATTTTGCATAAAGGCAAGTGGCATTTTCTGAATCTGTCAAATTAAGT-3'
Protein context (NP_002285.1, residues 40-60): TCLYAKWQMN[Phe50=]TVRYETTNKT

ClinVar aggregate classification (germline): Likely benign. Review status: criteria provided, multiple submitters, no conflicts (2 of 4 stars). 3 submissions from 3 submitters: Likely benign (3). Last evaluated 2025-12-01.

Conditions:
Cardiovascular phenotype. Identifiers: MedGen CN230736.
Danon disease. Also called: PSEUDOGLYCOGENOSIS II; GSD IIb; LYSOSOMAL GLYCOGEN STORAGE DISEASE WITHOUT ACID MALTASE DEFICIENCY; Glycogen Storage Disease Type IIb; ANTOPOL DISEASE. Identifiers: Orphanet 34587, MedGen C0878677, MONDO:0010281, OMIM 300257.

Submissions (3):

Labcorp Genetics (formerly Invitae), Labcorp
Classification: Likely benign for Danon disease. Last evaluated: 2025-12-01. Review status: criteria provided, single submitter. Criteria: Invitae Variant Classification Sherloc (09022015). Collection method: clinical testing. Allele origin: germline.

Ambry Genetics
Classification: Likely benign for Cardiovascular phenotype. Last evaluated: 2022-09-08. Review status: criteria provided, single submitter. Criteria: Ambry Variant Classification Scheme 2023. Collection method: clinical testing. Allele origin: germline.

GeneDx
Classification: Likely benign. Last evaluated: 2016-02-10. Review status: criteria provided, single submitter. Criteria: GeneDx Variant Classification (06012015). Collection method: clinical testing. Allele origin: germline. Affected: yes.
Comment: This variant is considered likely benign or benign based on one or more of the following criteria: it is a conservative change, it occurs at a poorly conserved position in the protein, it is predicted to be benign by multiple in silico algorithms, and/or has population frequency not consistent with disease.